The following is an entry in ClinVar:

ClinVar aggregate classification (germline): Conflicting classifications of pathogenicity. Review status: criteria provided, conflicting classifications (1 of 4 stars). 5 submissions from 5 submitters: Uncertain significance (2); Likely benign (3). Last evaluated 2026-01-27.

Conditions:
Weill-Marchesani syndrome. Also called: WM Syndrome; Mesodermal dysmorphodystrophy congenital. Identifiers: Orphanet 3449, MedGen C0265313, MONDO:0018096.

Allele frequency attached by ClinVar (database versions not stated): ExAC 0.00044; TOPMed 0.00046; gnomAD 0.00049 and 0.00051; ESP Exome Variant Server 0.00054.
gnomAD v4.1: 934 of 1,613,464 alleles (0.058%); highest among the groups gnomAD compares: Non-Finnish European, 0.07%; 2 homozygotes.

Submissions (5):

Labcorp Genetics (formerly Invitae), Labcorp
Classification: Likely benign. Last evaluated: 2026-01-27. Review status: criteria provided, single submitter. Criteria: Invitae Variant Classification Sherloc (09022015). Collection method: clinical testing. Allele origin: germline.

Blueprint Genetics
Classification: Likely benign. Last evaluated: 2024-11-13. Review status: criteria provided, single submitter. Criteria: ACMG Guidelines, 2015. Collection method: clinical testing. Allele origin: germline.

GeneDx
Classification: Uncertain significance. Last evaluated: 2024-08-09. Review status: criteria provided, single submitter. Criteria: GeneDx Variant Classification Process June 2021. Collection method: clinical testing. Allele origin: germline. Affected: yes.
Comment: In silico analysis suggests this variant may impact gene splicing. In the absence of RNA/functional studies, the actual effect of this sequence change is unknown.; Has not been previously published as pathogenic or benign to our knowledge

CeGaT Center for Human Genetics Tuebingen
Classification: Likely benign. Last evaluated: 2023-02-01. Review status: criteria provided, single submitter. Criteria: CeGaT Center For Human Genetics Tuebingen Variant Classification Criteria Version 2. Collection method: clinical testing. Allele origin: germline. Affected: yes. Observed: 1 variant allele.
Comment: ADAMTS10: BP4, BP7

Illumina Laboratory Services, Illumina
Classification: Uncertain significance for Weill-Marchesani syndrome. Last evaluated: 2018-01-12. Review status: criteria provided, single submitter. Criteria: ICSL Variant Classification Criteria 13 December 2019. Collection method: clinical testing. Allele origin: germline.

NM_030957.4(ADAMTS10):c.1935G>A (p.Ala645=)

Gene: ADAMTS10 (ADAM metallopeptidase with thrombospondin type 1 motif 10; minus strand). Cytogenetic location: 19p13.2.
Variant type: single nucleotide variant.
Coding change: c.1935G>A on transcript NM_030957.4 (MANE Select); coding-DNA position 1935, G replaced by A.
Protein change: p.Ala645=; no amino-acid change (alanine 645 retained).
Molecular consequence: synonymous variant.
Genome position (GRCh38, 1-based): chr19:8,589,551, C>T on the plus strand (G>A on the coding strand, the complement: ADAMTS10 is on the minus strand). VCF-style: chr19-8589551-C-T. GRCh37 (hg19) VCF-style: chr19-8654435-C-T.
Other names: c.396G>A, p.Ala132= (NM_001282352.2).
Identifiers: ClinVar variation 330595 (VCV000330595.41), dbSNP rs200551849, ClinGen allele CA9160293.